The following is an entry in ClinVar:

ClinVar aggregate classification (germline): Uncertain significance (1 of 4 stars; one submission).

Submission:

Labcorp Genetics (formerly Invitae), Labcorp
Classification: Uncertain significance. Last evaluated: 2025-06-27. Review status: criteria provided, single submitter. Criteria: Invitae Variant Classification Sherloc (09022015). Collection method: clinical testing. Allele origin: germline.
Comment: This sequence change replaces glycine, which is neutral and non-polar, with arginine, which is basic and polar, at codon 546 of the ANKZF1 protein (p.Gly546Arg). This variant is not present in population databases (gnomAD no frequency). This variant has not been reported in the literature in individuals affected with ANKZF1-related conditions. An algorithm developed to predict the effect of missense changes on protein structure and function (PolyPhen-2) suggests that this variant is likely to be disruptive. In summary, the available evidence is currently insufficient to determine the role of this variant in disease. Therefore, it has been classified as a Variant of Uncertain Significance.

NM_018089.3(ANKZF1):c.1636G>C (p.Gly546Arg)

Gene: ANKZF1 (ankyrin repeat and zinc finger peptidyl tRNA hydrolase 1; plus strand). Cytogenetic location: 2q35.
Variant type: single nucleotide variant.
Coding change: c.1636G>C on transcript NM_018089.3 (MANE Select); coding-DNA position 1636, G replaced by C.
Protein change: p.Gly546Arg; replaces glycine 546 with arginine.
Molecular consequence: missense variant.
Genome position (GRCh38, 1-based): chr2:219,235,257, G>C. VCF-style: chr2-219235257-G-C. GRCh37 (hg19) VCF-style: chr2-220099979-G-C.
Other names: c.1636G>C, p.Gly546Arg (NM_001042410.2); c.1006G>C, p.Gly336Arg (NM_001282792.2); short protein forms G546R, G336R.
Identifiers: ClinVar variation 4722259 (VCV004722259.1).